The following is an entry in ClinVar:

ClinVar aggregate classification (germline): Pathogenic (0 of 4 stars; one submission).

Conditions:
Fanconi anemia complementation group A (FANCA). Also called: Fanconi anemia, group A; FANCA-Related Fanconi Anemia. Identifiers: Orphanet 84, MedGen C3469521, MONDO:0009215, OMIM 227650.

Submission:

Leiden Open Variation Database
Classification: Pathogenic for Fanconi anemia complementation group A. Last evaluated: 2020-02-28. Review status: no assertion criteria provided. Collection method: curation. Allele origin: germline. Affected: yes.
Comment: Curator: Arleen D. Auerbach. Submitter to LOVD: Arleen D. Auerbach.

Literature cited by the submitters: PubMed 25168418.

NC_000016.8:g.88372488_88396714del

Gene: FANCA (FA complementation group A; minus strand). Cytogenetic location: 16q24.3.
Variant type: Deletion.
Identifiers: ClinVar variation 973997 (VCV000973997.1).